The following is an entry in ClinVar:

ClinVar aggregate classification (germline): Pathogenic (1 of 4 stars; one submission).

Submission:

Labcorp Genetics (formerly Invitae), Labcorp
Classification: Pathogenic. Last evaluated: 2023-08-04. Review status: criteria provided, single submitter. Criteria: Invitae Variant Classification Sherloc (09022015). Collection method: clinical testing. Allele origin: germline.
Comment: For these reasons, this variant has been classified as Pathogenic. This variant has not been reported in the literature in individuals affected with PROM1-related conditions. This variant is a gross deletion of the genomic region encompassing exon(s) 1 of the PROM1 gene, which includes the initiator codon. This deletion extends beyond the assayed region for this gene and therefore may encompass additional genes. It is expected to result in an absent or disrupted protein product. Loss-of-function variants in PROM1 are known to be pathogenic (PMID: 17605048, 19718270, 24154662, 25474345).

Literature cited by the submitters: PubMed 17605048; PubMed 19718270; PubMed 24154662; PubMed 25474345.

NC_000004.11:g.(?_16077290)_(16077529_?)del

Gene: PROM1 (prominin 1; minus strand). Cytogenetic location: 4p15.32.
Variant type: Deletion.
Identifiers: ClinVar variation 1456133 (VCV001456133.5).